The following is an entry in ClinVar:

NM_001378457.1(DMXL2):c.6495T>C (p.His2165=)

Gene: DMXL2 (Dmx like 2; minus strand). Cytogenetic location: 15q21.2.
Variant type: single nucleotide variant.
Coding change: c.6495T>C on transcript NM_001378457.1 (MANE Select); coding-DNA position 6495, T replaced by C.
Protein change: p.His2165=; no amino-acid change (histidine 2165 retained).
Molecular consequence: synonymous variant. On other transcripts: non-coding transcript variant (2).
Genome position (GRCh38, 1-based): chr15:51,480,611, A>G on the plus strand (T>C on the coding strand, the complement: DMXL2 is on the minus strand). VCF-style: chr15-51480611-A-G. GRCh37 (hg19) VCF-style: chr15-51772808-A-G.
Other names: c.6495T>C, p.His2165= (NM_001378463.1, NM_015263.5, NM_001174116.3 and 4 more transcripts); c.6255T>C, p.His2085= (NM_001378464.1); c.4587T>C, p.His1529= (NM_001174117.3); c.4476T>C, p.His1492= (NM_001378460.1).
Identifiers: ClinVar variation 2876552 (VCV002876552.11), dbSNP rs2041940501, ClinGen allele CA490596535.

ClinVar aggregate classification (germline): Likely benign. Review status: criteria provided, multiple submitters, no conflicts (2 of 4 stars). 2 submissions from 2 submitters: Likely benign (2). Last evaluated 2025-07-01.

Allele frequency attached by ClinVar (database versions not stated): gnomAD exomes 0.00001.
gnomAD v4.1: 16 of 1,592,638 alleles (0.001%); highest among the groups gnomAD compares: Non-Finnish European, 0.001%; no homozygotes.

Submissions (2):

CeGaT Center for Human Genetics Tuebingen
Classification: Likely benign. Last evaluated: 2025-07-01. Review status: criteria provided, single submitter. Criteria: CeGaT Center For Human Genetics Tuebingen Variant Classification Criteria Version 2. Collection method: clinical testing. Allele origin: germline. Affected: yes. Observed: 1 variant allele.
Comment: DMXL2: BP4, BP7

Labcorp Genetics (formerly Invitae), Labcorp
Classification: Likely benign. Last evaluated: 2025-02-28. Review status: criteria provided, single submitter. Criteria: Invitae Variant Classification Sherloc (09022015). Collection method: clinical testing. Allele origin: germline.